The following is an entry in ClinVar:

NM_058216.3(RAD51C):c.952G>T (p.Asp318Tyr)

Gene: RAD51C (RAD51 paralog C; plus strand). Cytogenetic location: 17q22.
Variant type: single nucleotide variant.
Coding change: c.952G>T on transcript NM_058216.3 (MANE Select); coding-DNA position 952, G replaced by T.
Protein change: p.Asp318Tyr; replaces aspartic acid 318 with tyrosine.
Molecular consequence: missense variant. On other transcripts: non-coding transcript variant (1).
Genome position (GRCh38, 1-based): chr17:58,724,087, G>T. VCF-style: chr17-58724087-G-T. GRCh37 (hg19) VCF-style: chr17-56801448-G-T.
Other names: c.952G>T (NM_058216.1); short protein forms D318Y.
Identifiers: ClinVar variation 581940 (VCV000581940.7), dbSNP rs876659875, ClinGen allele CA400361541.

ClinVar aggregate classification (germline): Uncertain significance. Review status: criteria provided, multiple submitters, no conflicts (2 of 4 stars). 2 submissions from 2 submitters: Uncertain significance (2). Last evaluated 2025-06-06.

Conditions:
Hereditary cancer-predisposing syndrome. Also called: Neoplastic Syndromes, Hereditary; Hereditary Cancer Syndrome; Tumor predisposition; Hereditary neoplastic syndrome. Identifiers: Orphanet 140162, MedGen C0027672, MeSH D009386, MONDO:0015356.
Fanconi anemia complementation group O. Also called: RAD51C-Related Fanconi Anemia. Identifiers: Orphanet 84, MedGen C3150653, MONDO:0013248, OMIM 613390.

Allele frequency attached by ClinVar (database versions not stated): gnomAD 0.00001; TOPMed 0.00001.
gnomAD v4.1: 1 of 1,612,588 alleles (0.000062%); highest among the groups gnomAD compares: African/African-American, 0.0013%; no homozygotes.

Submissions (2):

Ambry Genetics
Classification: Uncertain significance for Hereditary cancer-predisposing syndrome. Last evaluated: 2025-06-06. Review status: criteria provided, single submitter. Criteria: Ambry Variant Classification Scheme 2023. Collection method: clinical testing. Allele origin: germline.
Comment: The p.D318Y variant (also known as c.952G>T), located in coding exon 7 of the RAD51C gene, results from a G to T substitution at nucleotide position 952. The aspartic acid at codon 318 is replaced by tyrosine, an amino acid with highly dissimilar properties. This amino acid position is conserved. In addition, the in silico prediction for this alteration is inconclusive. Based on the available evidence, the clinical significance of this variant remains unclear.

Labcorp Genetics (formerly Invitae), Labcorp
Classification: Uncertain significance for Fanconi anemia complementation group O. Last evaluated: 2025-01-19. Review status: criteria provided, single submitter. Criteria: Invitae Variant Classification Sherloc (09022015). Collection method: clinical testing. Allele origin: germline.
Comment: This sequence change replaces aspartic acid, which is acidic and polar, with tyrosine, which is neutral and polar, at codon 318 of the RAD51C protein (p.Asp318Tyr). This variant is not present in population databases (gnomAD no frequency). This variant has not been reported in the literature in individuals affected with RAD51C-related conditions. ClinVar contains an entry for this variant (Variation ID: 581940). Invitae Evidence Modeling of protein sequence and biophysical properties (such as structural, functional, and spatial information, amino acid conservation, physicochemical variation, residue mobility, and thermodynamic stability) indicates that this missense variant is not expected to disrupt RAD51C protein function with a negative predictive value of 80%. In summary, the available evidence is currently insufficient to determine the role of this variant in disease. Therefore, it has been classified as a Variant of Uncertain Significance.